The following is an entry in ClinVar:

ClinVar aggregate classification (germline): Uncertain significance. Review status: criteria provided, multiple submitters, no conflicts (2 of 4 stars). 2 submissions from 2 submitters: Uncertain significance (2). Last evaluated 2023-06-09.

Conditions:
Hereditary cancer-predisposing syndrome. Also called: Hereditary neoplastic syndrome; Hereditary Cancer Syndrome; Tumor predisposition; Neoplastic Syndromes, Hereditary. Identifiers: Orphanet 140162, MedGen C0027672, MeSH D009386, MONDO:0015356.
Hereditary pheochromocytoma and paraganglioma. Also called: Hereditary pheochromocytoma-paraganglioma; Hereditary Paraganglioma-Pheochromocytoma Syndromes; Hereditary paragangliomas and pheochromocytomas. Identifiers: Orphanet 29072, MedGen C4274332, MONDO:0017366.

Submissions (2):

Ambry Genetics
Classification: Uncertain significance for Hereditary cancer-predisposing syndrome. Last evaluated: 2023-06-09. Review status: criteria provided, single submitter. Criteria: Ambry Variant Classification Scheme 2023. Collection method: clinical testing. Allele origin: germline.
Comment: The p.P156S variant (also known as c.466C>T), located in coding exon 4 of the SDHAF2 gene, results from a C to T substitution at nucleotide position 466. The proline at codon 156 is replaced by serine, an amino acid with similar properties. This amino acid position is conserved. In addition, this alteration is predicted to be deleterious by in silico analysis. Since supporting evidence is limited at this time, the clinical significance of this alteration remains unclear.

Labcorp Genetics (formerly Invitae), Labcorp
Classification: Uncertain significance for Hereditary pheochromocytoma and paraganglioma. Last evaluated: 2023-03-09. Review status: criteria provided, single submitter. Criteria: Invitae Variant Classification Sherloc (09022015). Collection method: clinical testing. Allele origin: germline.
Comment: In summary, the available evidence is currently insufficient to determine the role of this variant in disease. Therefore, it has been classified as a Variant of Uncertain Significance. An algorithm developed to predict the effect of missense changes on protein structure and function (PolyPhen-2) suggests that this variant is likely to be disruptive. ClinVar contains an entry for this variant (Variation ID: 1038607). This variant has not been reported in the literature in individuals affected with SDHAF2-related conditions. This variant is not present in population databases (gnomAD no frequency). This sequence change replaces proline, which is neutral and non-polar, with serine, which is neutral and polar, at codon 156 of the SDHAF2 protein (p.Pro156Ser).

NM_017841.4(SDHAF2):c.466C>T (p.Pro156Ser)

Gene: SDHAF2 (succinate dehydrogenase complex assembly factor 2; plus strand). Cytogenetic location: 11q12.2.
Variant type: single nucleotide variant.
Coding change: c.466C>T on transcript NM_017841.4 (MANE Select); coding-DNA position 466, C replaced by T.
Protein change: p.Pro156Ser; replaces proline 156 with serine.
Molecular consequence: missense variant.
Genome position (GRCh38, 1-based): chr11:61,446,036, C>T. VCF-style: chr11-61446036-C-T. GRCh37 (hg19) VCF-style: chr11-61213508-C-T.
Other names: c.466C>T (NM_017841.2); short protein forms P156S.
Identifiers: ClinVar variation 1038607 (VCV001038607.10), dbSNP rs1862133442, ClinGen allele CA380685497.
Genomic context (GRCh38, chr11:61,446,036, plus strand): 5'-GTCATGGCCCTGCTGAGAGACTTTGCTAAAAACAAAAACAAAGAGCAGAGACTGCGTGCC[C>T]CAGATCTTGAGTACCTCTTTGAAAAGCCACGTTGAGCTGTGCTCCACGGCCTGGCATGGG-3'
Protein context (NP_060311.1, residues 146-166): NKNKEQRLRA[Pro156Ser]DLEYLFEKPR